The following is an entry in ClinVar:

ClinVar aggregate classification (germline): Benign/Likely benign. Review status: criteria provided, multiple submitters, no conflicts (2 of 4 stars). 6 submissions from 6 submitters: Benign (2); Likely benign (4). Last evaluated 2025-11-24.

Conditions:
Inborn genetic diseases. Identifiers: MedGen C0950123, MeSH D030342.

Allele frequency attached by ClinVar (database versions not stated): gnomAD 0.00032 and 0.00034; TOPMed 0.00037; gnomAD exomes 0.00040 and 0.00049; ExAC 0.00044; ESP Exome Variant Server 0.00047.
gnomAD v4.1: 587 of 1,210,214 alleles (0.049%); highest among the groups gnomAD compares: Non-Finnish European, 0.056%; no homozygotes.

Submissions (6):

Labcorp Genetics (formerly Invitae), Labcorp
Classification: Benign. Last evaluated: 2025-11-24. Review status: criteria provided, single submitter. Criteria: Invitae Variant Classification Sherloc (09022015). Collection method: clinical testing. Allele origin: germline.

Blueprint Genetics
Classification: Likely benign. Last evaluated: 2023-12-12. Review status: criteria provided, single submitter. Criteria: ACMG Guidelines, 2015. Collection method: clinical testing. Allele origin: germline.

CeGaT Center for Human Genetics Tuebingen
Classification: Likely benign. Last evaluated: 2023-02-01. Review status: criteria provided, single submitter. Criteria: CeGaT Center For Human Genetics Tuebingen Variant Classification Criteria Version 2. Collection method: clinical testing. Allele origin: germline. Affected: yes. Observed: 3 variant alleles.
Comment: DCX: BP4, BS2

Ambry Genetics
Classification: Benign for Inborn genetic diseases. Last evaluated: 2017-06-12. Review status: criteria provided, single submitter. Criteria: Ambry Variant Classification Scheme 2023. Collection method: clinical testing. Allele origin: germline.

Eurofins Ntd Llc (ga)
Classification: Likely benign. Last evaluated: 2015-08-07. Review status: criteria provided, single submitter. Criteria: EGL Classification Definitions 2015. Collection method: clinical testing. Allele origin: germline. Observed: 1 variant allele, 1 hemizygote.

Genetic Services Laboratory, University of Chicago
Classification: Likely benign. Last evaluated: 2015-04-14. Review status: criteria provided, single submitter. Criteria: ACMG Guidelines, 2015. Collection method: clinical testing. Allele origin: germline.

NM_001195553.2(DCX):c.856G>T (p.Ala286Ser)

Gene: DCX (doublecortin; minus strand). Cytogenetic location: Xq23.
Variant type: single nucleotide variant.
Coding change: c.856G>T on transcript NM_001195553.2 (MANE Select); coding-DNA position 856, G replaced by T.
Protein change: p.Ala286Ser; replaces alanine 286 with serine.
Molecular consequence: missense variant.
Genome position (GRCh38, 1-based): chrX:111,330,994, C>A on the plus strand (G>T on the coding strand, the complement: DCX is on the minus strand). VCF-style: chrX-111330994-C-A. GRCh37 (hg19) VCF-style: chrX-110574222-C-A.
Other names: c.1099G>T, p.Ala367Ser (NM_000555.3); c.856G>T, p.Ala286Ser (NM_001369370.1, NM_001369371.1, NM_001369372.1 and 5 more transcripts); short protein forms A286S, A367S.
Identifiers: ClinVar variation 210836 (VCV000210836.60), dbSNP rs149495971, ClinGen allele CA209602.
Genomic context (GRCh38, chrX:111,330,994, plus strand): 5'-ACTTGCTTCGGCGCATAGGACCAGGGCTCTTGGCTGAAGTCTTCTGAGGTGTTGGGGATG[C>A]CTTTGGGCCAGCTGTGGCTGATGGGTTTCCCTTCATGACTCGGCATTCTGGGGCAAAAGG-3'
Protein context (NP_001182482.1, residues 276-296): GNPSATAGPK[Ala286Ser]SPTPQKTSAK